The following is an entry in ClinVar:

NM_000018.4(ACADVL):c.298C>T (p.Gln100Ter)

Gene: ACADVL (acyl-CoA dehydrogenase very long chain; plus strand). Cytogenetic location: 17p13.1.
Variant type: single nucleotide variant.
Coding change: c.298C>T on transcript NM_000018.4 (MANE Select); coding-DNA position 298, C replaced by T.
Protein change: p.Gln100Ter; replaces glutamine 100 with a stop codon.
Molecular consequence: nonsense.
Genome position (GRCh38, 1-based): chr17:7,220,786, C>T. VCF-style: chr17-7220786-C-T. GRCh37 (hg19) VCF-style: chr17-7124105-C-T.
Other names: c.232C>T, p.Gln78Ter (NM_001033859.3); c.367C>T, p.Gln123Ter (NM_001270447.2); c.70C>T, p.Gln24Ter (NM_001270448.2); short protein forms Q100*, Q123*, Q24*, Q78*.
Identifiers: ClinVar variation 2680245 (VCV002680245.2), dbSNP rs750675692, ClinGen allele CA397722531.

ClinVar aggregate classification (germline): Pathogenic. Review status: criteria provided, multiple submitters, no conflicts (2 of 4 stars). 2 submissions from 2 submitters: Pathogenic (2). Last evaluated 2026-01-11.

Conditions:
Very long chain acyl-CoA dehydrogenase deficiency (ACADVLD). Also called: VLCAD Deficiency; Very Long-Chain Acyl-Coenzyme A Dehydrogenase Deficiency. Identifiers: Orphanet 26793, MedGen C3887523, MONDO:0008723, OMIM 201475.

Submissions (2):

Labcorp Genetics (formerly Invitae), Labcorp
Classification: Pathogenic for Very long chain acyl-CoA dehydrogenase deficiency. Last evaluated: 2026-01-11. Review status: criteria provided, single submitter. Criteria: Invitae Variant Classification Sherloc (09022015). Collection method: clinical testing. Allele origin: germline.
Comment: This sequence change creates a premature translational stop signal (p.Gln100*) in the ACADVL gene. It is expected to result in an absent or disrupted protein product. Loss-of-function variants in ACADVL are known to be pathogenic (PMID: 9973285, 11590124). This variant is not present in population databases (gnomAD no frequency). This premature translational stop signal has been observed in individual(s) with very long-chain acyl-CoA dehydrogenase deficiency (PMID: 24801231). ClinVar contains an entry for this variant (Variation ID: 2680245). For these reasons, this variant has been classified as Pathogenic.

Baylor Genetics
Classification: Pathogenic for Very long chain acyl-CoA dehydrogenase deficiency. Last evaluated: 2023-03-19. Review status: criteria provided, single submitter. Criteria: ACMG Guidelines, 2015. Collection method: clinical testing. Allele origin: unknown.

Literature cited by the submitters: PubMed 9973285 (cited by Labcorp Genetics (formerly Invitae), Labcorp); PubMed 11590124 (cited by Labcorp Genetics (formerly Invitae), Labcorp); PubMed 24801231 (cited by Labcorp Genetics (formerly Invitae), Labcorp).